The following is an entry in ClinVar:

NC_000016.9:g.(?_84193260)_(84193421_?)del

Gene: DNAAF1 (dynein axonemal assembly factor 1; plus strand). Cytogenetic location: 16q23.3.
Variant type: Deletion.
Identifiers: ClinVar variation 2427569 (VCV002427569.12).

ClinVar aggregate classification (germline): Pathogenic (1 of 4 stars; one submission).

Conditions:
Primary ciliary dyskinesia. Also called: Ciliary dyskinesia. Identifiers: Orphanet 244, MedGen C0008780, MONDO:0016575, HP:0012265.

Submission:

Labcorp Genetics (formerly Invitae), Labcorp
Classification: Pathogenic for Primary ciliary dyskinesia. Last evaluated: 2023-11-10. Review status: criteria provided, single submitter. Criteria: Invitae Variant Classification Sherloc (09022015). Collection method: clinical testing. Allele origin: germline.
Comment: This variant is a gross deletion of the genomic region encompassing exon(s) 6 of the DNAAF1 gene. This deletion is out-of-frame, and is expected to create a premature termination codon and result in an absent or disrupted protein product. Loss-of-function variants in DNAAF1 are known to be pathogenic (PMID: 19944400, 19944405). This variant has not been reported in the literature in individuals affected with DNAAF1-related conditions. For these reasons, this variant has been classified as Pathogenic.

Literature cited by the submitters: PubMed 19944400; PubMed 19944405.